The following is an entry in ClinVar:

NM_000228.3(LAMB3):c.885dup (p.Phe296fs)

Gene: LAMB3 (laminin subunit beta 3; minus strand). Cytogenetic location: 1q32.2.
Variant type: Duplication.
Coding change: c.885dup on transcript NM_000228.3 (MANE Select); coding-DNA position 885, one base duplicated (C; older notation c.885dupC).
Protein change: p.Phe296fs; shifts the reading frame from phenylalanine 296.
Molecular consequence: frameshift variant.
Genome position (GRCh38, 1-based): chr1:209,630,673, G duplicated on the plus strand (C on the coding strand, the reverse complement: LAMB3 is on the minus strand); the first of 3 consecutive G bases (chr1:209,630,673-209,630,675); duplicating any one gives the same sequence. VCF-style (leftmost placement, unchanged base first): chr1-209630672-A-AG. GRCh37 (hg19) VCF-style: chr1-209804017-A-AG.
Other names: c.885dup, p.Phe296fs (NM_001017402.2, NM_001127641.1); short protein forms F296fs.
Identifiers: ClinVar variation 5011848 (VCV005011848.1).

ClinVar aggregate classification (germline): Pathogenic (1 of 4 stars; one submission).

Conditions:
Junctional epidermolysis bullosa. Identifiers: Orphanet 305, MedGen C0079301, MONDO:0017612.

Submission:

Myriad Genetics, Inc.
Classification: Pathogenic for Junctional epidermolysis bullosa. Last evaluated: 2023-09-27. Review status: criteria provided, single submitter. Criteria: Myriad Autosomal Dominant, Autosomal Recessive and X-Linked Classification Criteria (2023). Collection method: clinical testing. Allele origin: unknown.
Comment: NM_000228.2(LAMB3):c.885dupC(F296Lfs*17) is expected to be pathogenic in the context of junctional epidermolysis bullosa, LAMB3-related. This variant is predicted to lead to an abnormal or absent protein product due to the creation of a premature termination codon in LAMB3, a gene where loss-of-function variants are known to be pathogenic. Please note: this variant was assessed in the context of healthy population screening.